The following is an entry in ClinVar:

ClinVar aggregate classification (germline): Uncertain significance (1 of 4 stars; one submission).

Conditions:
Leukocyte adhesion deficiency 3. Also called: Leukocyte adhesion deficiency, type III; INTEGRIN ACTIVATION DEFICIENCY DISEASE; LEUKOCYTE ADHESION DEFICIENCY 1 VARIANT. Identifiers: Orphanet 2968, Orphanet 99844, MedGen C2748536, MONDO:0013016, OMIM 612840.

Submission:

Labcorp Genetics (formerly Invitae), Labcorp
Classification: Uncertain significance for Leukocyte adhesion deficiency 3. Last evaluated: 2022-06-12. Review status: criteria provided, single submitter. Criteria: Invitae Variant Classification Sherloc (09022015). Collection method: clinical testing. Allele origin: germline.
Comment: This sequence change replaces arginine, which is basic and polar, with leucine, which is neutral and non-polar, at codon 589 of the FERMT3 protein (p.Arg589Leu). In summary, the available evidence is currently insufficient to determine the role of this variant in disease. Therefore, it has been classified as a Variant of Uncertain Significance. Algorithms developed to predict the effect of missense changes on protein structure and function are either unavailable or do not agree on the potential impact of this missense change (SIFT: "Tolerated"; PolyPhen-2: "Possibly Damaging"; Align-GVGD: "Class C0"). This variant has not been reported in the literature in individuals affected with FERMT3-related conditions. This variant is not present in population databases (gnomAD no frequency).

NM_031471.6(FERMT3):c.1766G>T (p.Arg589Leu)

Gene: FERMT3 (FERM domain containing kindlin 3; plus strand). Cytogenetic location: 11q13.1.
Variant type: single nucleotide variant.
Coding change: c.1766G>T on transcript NM_031471.6 (MANE Select); coding-DNA position 1766, G replaced by T.
Protein change: p.Arg589Leu; replaces arginine 589 with leucine.
Molecular consequence: missense variant.
Genome position (GRCh38, 1-based): chr11:64,223,143, G>T. VCF-style: chr11-64223143-G-T. GRCh37 (hg19) VCF-style: chr11-63990615-G-T.
Other names: c.1226G>T, p.Arg409Leu (NM_001382363.1); c.1238G>T, p.Arg413Leu (NM_001382364.1); c.1766G>T, p.Arg589Leu (NM_001382448.1, NM_001382361.1); c.1778G>T, p.Arg593Leu (NM_178443.3, NM_001382362.1); short protein forms R413L, R589L, R593L, R409L.
Identifiers: ClinVar variation 2005138 (VCV002005138.4), dbSNP rs996875102, ClinGen allele CA381089922.